The following is an entry in ClinVar:

ClinVar aggregate classification (germline): Uncertain significance (1 of 4 stars; one submission).

Conditions:
Inborn genetic diseases. Identifiers: MedGen C0950123, MeSH D030342.

Submission:

Ambry Genetics
Classification: Uncertain significance for Inborn genetic diseases. Last evaluated: 2026-07-27. Review status: criteria provided, single submitter. Criteria: Ambry Variant Classification Scheme 2023. Collection method: clinical testing. Allele origin: germline.
Comment: The c.5153+3A>G intronic variant consists of a A to G substitution 3 nucleotides after exon 32 (coding exon 32) in the PKD1L1 gene. This variant was not reported in population-based cohorts in the Genome Aggregation Database (gnomAD). In silico splice site analysis predicts that this alteration will weaken the native splice donor site. Based on insufficient or conflicting evidence, the clinical significance of this alteration remains unclear.

NM_138295.5(PKD1L1):c.5153+3A>G

Gene: PKD1L1 (polycystin 1 like 1, transient receptor potential channel interacting; minus strand). Cytogenetic location: 7p12.3.
Variant type: single nucleotide variant.
Coding change: c.5153+3A>G on transcript NM_138295.5 (MANE Select); 3 bases into the intron after coding-DNA position 5153, A replaced by G.
Molecular consequence: intron variant.
Genome position (GRCh38, 1-based): chr7:47,846,876, T>C on the plus strand (A>G on the coding strand, the complement: PKD1L1 is on the minus strand). VCF-style: chr7-47846876-T-C. GRCh37 (hg19) VCF-style: chr7-47886474-T-C.
Identifiers: ClinVar variation 5026761 (VCV005026761.1).